The following is an entry in ClinVar:

NM_015346.4(ZFYVE26):c.2843_2844insTATAAGAGACAGT (p.Trp948fs)

Gene: ZFYVE26 (zinc finger FYVE-type containing 26; minus strand). Cytogenetic location: 14q24.1.
Variant type: Insertion.
Coding change: c.2843_2844insTATAAGAGACAGT on transcript NM_015346.4 (MANE Select); coding-DNA positions 2843 to 2844, TATAAGAGACAGT inserted.
Protein change: p.Trp948fs; shifts the reading frame from tryptophan 948.
Molecular consequence: frameshift variant.
Genome position: GRCh38 VCF-style: chr14-67789510-C-CACTGTCTCTTATA. GRCh37 (hg19) VCF-style: chr14-68256227-C-CACTGTCTCTTATA.
Other names: short protein forms W948fs.
Identifiers: ClinVar variation 1724920 (VCV001724920.2), dbSNP rs2502828713, ClinGen allele CA2580088671.

ClinVar aggregate classification (germline): Likely pathogenic (1 of 4 stars; one submission).

Conditions:
Hereditary spastic paraplegia 15 (SPG15). Also called: SPASTIC PARAPLEGIA 15, AUTOSOMAL RECESSIVE; KJELLIN SYNDROME; SPASTIC PARAPLEGIA AND RETINAL DEGENERATION. Identifiers: Orphanet 100996, MedGen C1849128, MONDO:0010044, OMIM 270700.

Submission:

Myriad Genetics, Inc.
Classification: Likely pathogenic for Hereditary spastic paraplegia 15. Last evaluated: 2021-11-24. Review status: criteria provided, single submitter. Criteria: Myriad Women's Health Autosomal Recessive and X-Linked Classification Criteria (2021). Collection method: clinical testing. Allele origin: unknown.
Comment: NM_015346.3(ZFYVE26):c.2843_2844ins13(W948Cfs*33) is expected to be pathogenic in the context of spastic paraplegia type 15. This variant is predicted to lead to an abnormal or absent protein product due to the creation of a premature termination codon in ZFYVE26, a gene where loss-of-function variants are known to be pathogenic. Please note: this variant was assessed in the context of healthy population screening.